The following is an entry in ClinVar:

NM_004385.5(VCAN):c.8905G>A (p.Glu2969Lys)

Genes: VCAN (versican; plus strand), VCAN-AS1 (VCAN antisense RNA 1; minus strand). Cytogenetic location: 5q14.3.
Variant type: single nucleotide variant.
Coding change: c.8905G>A on transcript NM_004385.5 (MANE Select); coding-DNA position 8905, G replaced by A.
Protein change: p.Glu2969Lys; replaces glutamic acid 2969 with lysine.
Molecular consequence: missense variant. On other transcripts: intron variant (2).
Genome position (GRCh38, 1-based): chr5:83,541,908, G>A. VCF-style: chr5-83541908-G-A. GRCh37 (hg19) VCF-style: chr5-82837727-G-A.
Other names: c.5944G>A, p.Glu1982Lys (NM_001164097.2); c.4004-3629G>A (NM_001164098.2); c.1043-3629G>A (NM_001126336.3); short protein forms E1982K, E2969K.
Identifiers: ClinVar variation 1017296 (VCV001017296.7), dbSNP rs370989715, ClinGen allele CA3333874.

ClinVar aggregate classification (germline): Conflicting classifications of pathogenicity. Review status: criteria provided, conflicting classifications (1 of 4 stars). 2 submissions from 2 submitters: Uncertain significance (1); Likely benign (1). Last evaluated 2024-11-10.

Allele frequency attached by ClinVar (database versions not stated): gnomAD exomes 0.00001 and 0.00004; ExAC 0.00007; TOPMed 0.00014; ESP Exome Variant Server 0.00015; gnomAD 0.00018 and 0.00019; 1000 Genomes Project 0.00020; 1000 Genomes Project 30x 0.00031.
gnomAD v4.1: 47 of 1,614,058 alleles (0.0029%); highest among the groups gnomAD compares: African/African-American, 0.059%; no homozygotes.

Submissions (2):

Labcorp Genetics (formerly Invitae), Labcorp
Classification: Uncertain significance. Last evaluated: 2024-11-10. Review status: criteria provided, single submitter. Criteria: Invitae Variant Classification Sherloc (09022015). Collection method: clinical testing. Allele origin: germline.
Comment: This sequence change replaces glutamic acid, which is acidic and polar, with lysine, which is basic and polar, at codon 2969 of the VCAN protein (p.Glu2969Lys). This variant is present in population databases (rs370989715, gnomAD 0.04%). This variant has not been reported in the literature in individuals affected with VCAN-related conditions. ClinVar contains an entry for this variant (Variation ID: 1017296). An algorithm developed to predict the effect of missense changes on protein structure and function (PolyPhen-2) suggests that this variant is likely to be disruptive. In summary, the available evidence is currently insufficient to determine the role of this variant in disease. Therefore, it has been classified as a Variant of Uncertain Significance.

Blueprint Genetics
Classification: Likely benign. Last evaluated: 2024-08-30. Review status: criteria provided, single submitter. Criteria: ACMG Guidelines, 2015. Collection method: clinical testing. Allele origin: germline.